The following is an entry in ClinVar:

NM_005639.3(SYT1):c.1076T>C (p.Val359Ala)

Gene: SYT1 (synaptotagmin 1; plus strand). Cytogenetic location: 12q21.2.
Variant type: single nucleotide variant.
Coding change: c.1076T>C on transcript NM_005639.3 (MANE Select); coding-DNA position 1076, T replaced by C.
Protein change: p.Val359Ala; replaces valine 359 with alanine.
Molecular consequence: missense variant.
Genome position (GRCh38, 1-based): chr12:79,448,931, T>C. VCF-style: chr12-79448931-T-C. GRCh37 (hg19) VCF-style: chr12-79842711-T-C.
Other names: c.1076T>C, p.Val359Ala (NM_001135805.2, NM_001135806.2); c.1067T>C, p.Val356Ala (NM_001291901.2); short protein forms V356A, V359A.
Identifiers: ClinVar variation 1687146 (VCV001687146.2), dbSNP rs1593076434, ClinGen allele CA385931813.

ClinVar aggregate classification (germline): Uncertain significance (0 of 4 stars; one submission).

Conditions:
Infantile hypotonia-oculomotor anomalies-hyperkinetic movements-developmental delay syndrome. Also called: BAKER-GORDON SYNDROME; NEURODEVELOPMENTAL DISORDER WITH INVOLUNTARY MOVEMENT AND ABNORMAL ELECTROENCEPHALOGRAM. Identifiers: Orphanet 522077, MedGen C4748715, MONDO:0033864, OMIM 618218.

gnomAD v4.1: 1 of 1,614,150 alleles (0.000062%); no homozygotes.

Submission:

Molecular Genetics, Sadra Medical Genetics Laboratory
Classification: Uncertain significance for Infantile hypotonia-oculomotor anomalies-hyperkinetic movements-developmental delay syndrome. Last evaluated: 2022-05-09. Review status: no assertion criteria provided. Collection method: clinical testing. Allele origin: germline. Inheritance: Autosomal dominant inheritance. Observed: 1 heterozygote.